The following is an entry in ClinVar:

NM_014425.5(INVS):c.2861G>A (p.Arg954Lys)

Gene: INVS (inversin; plus strand). Cytogenetic location: 9q31.1.
Variant type: single nucleotide variant.
Coding change: c.2861G>A on transcript NM_014425.5 (MANE Select); coding-DNA position 2861, G replaced by A.
Protein change: p.Arg954Lys; replaces arginine 954 with lysine.
Molecular consequence: missense variant. On other transcripts: non-coding transcript variant (1).
Genome position (GRCh38, 1-based): chr9:100,296,991, G>A. VCF-style: chr9-100296991-G-A. GRCh37 (hg19) VCF-style: chr9-103059273-G-A.
Other names: c.2573G>A, p.Arg858Lys (NM_001318381.2); c.1883G>A, p.Arg628Lys (NM_001318382.2); short protein forms R628K, R858K, R954K.
Identifiers: ClinVar variation 1051304 (VCV001051304.6), dbSNP rs2118781948, ClinGen allele CA374245102.

ClinVar aggregate classification (germline): Uncertain significance (1 of 4 stars; one submission).

Conditions:
Nephronophthisis. Also called: Juvenile Nephronophthisis. Identifiers: Orphanet 655, MedGen C0687120, MONDO:0019005, HP:0000090.

Allele frequency attached by ClinVar (database versions not stated): gnomAD exomes below 0.00001.
gnomAD v4.1: 2 of 1,614,112 alleles (0.00012%); highest among the groups gnomAD compares: Non-Finnish European, 0.00017%; no homozygotes.

Submission:

Labcorp Genetics (formerly Invitae), Labcorp
Classification: Uncertain significance for Nephronophthisis. Last evaluated: 2021-08-31. Review status: criteria provided, single submitter. Criteria: Invitae Variant Classification Sherloc (09022015). Collection method: clinical testing. Allele origin: germline.
Comment: This sequence change replaces arginine with lysine at codon 954 of the INVS protein (p.Arg954Lys). The arginine residue is weakly conserved and there is a small physicochemical difference between arginine and lysine. This variant is not present in population databases (ExAC no frequency). This variant has not been reported in the literature in individuals affected with INVS-related conditions. Algorithms developed to predict the effect of missense changes on protein structure and function (SIFT, PolyPhen-2, Align-GVGD) all suggest that this variant is likely to be tolerated. In summary, the available evidence is currently insufficient to determine the role of this variant in disease. Therefore, it has been classified as a Variant of Uncertain Significance.